The following is an entry in ClinVar:

NM_024642.5(GALNT12):c.978G>T (p.Gly326=)

Gene: GALNT12 (polypeptide N-acetylgalactosaminyltransferase 12; plus strand). Cytogenetic location: 9q22.33.
Variant type: single nucleotide variant.
Coding change: c.978G>T on transcript NM_024642.5 (MANE Select); coding-DNA position 978, G replaced by T.
Protein change: p.Gly326=; no amino-acid change (glycine 326 retained).
Molecular consequence: synonymous variant.
Genome position (GRCh38, 1-based): chr9:98,835,309, G>T. VCF-style: chr9-98835309-G-T. GRCh37 (hg19) VCF-style: chr9-101597591-G-T.
Identifiers: ClinVar variation 823481 (VCV000823481.5), dbSNP rs1588452482, ClinGen allele CA466424943.

ClinVar aggregate classification (germline): Benign/Likely benign. Review status: criteria provided, multiple submitters, no conflicts (2 of 4 stars). 2 submissions from 2 submitters: Benign (1); Likely benign (1). Last evaluated 2026-04-24.

Conditions:
Colorectal cancer, susceptibility to, 1. Also called: COLORECTAL ADENOMA AND CANCER, SUSCEPTIBILITY TO; COLORECTAL CANCER, SUSCEPTIBILITY TO, ON CHROMOSOME 9. Identifiers: MedGen C1837315, MONDO:0012132, OMIM 608812.

Allele frequency attached by ClinVar (database versions not stated): gnomAD exomes below 0.00001.
gnomAD v4.1: 1 of 1,614,080 alleles (0.000062%); highest among the groups gnomAD compares: Non-Finnish European, 0.000085%; no homozygotes.

Submissions (2):

Myriad Genetics, Inc.
Classification: Benign for Colorectal cancer, susceptibility to, 1. Last evaluated: 2026-04-24. Review status: criteria provided, single submitter. Criteria: Myriad Autosomal Dominant, Autosomal Recessive and X-Linked Classification Criteria (2023). Collection method: clinical testing. Allele origin: unknown.
Comment: This variant is considered benign. This variant is a silent/synonymous amino acid change and it is not expected to impact splicing.

Ambry Genetics
Classification: Likely benign. Last evaluated: 2019-07-22. Review status: criteria provided, single submitter. Criteria: Ambry Variant Classification Scheme 2023. Collection method: clinical testing. Allele origin: germline.